The following is an entry in ClinVar:

NM_000492.4(CFTR):c.1392+4090G>T

Genes: CFTR (CF transmembrane conductance regulator; plus strand), CFTR-AS1 (CFTR antisense RNA 1; minus strand). Cytogenetic location: 7q31.2.
Variant type: single nucleotide variant.
Coding change: c.1392+4090G>T on transcript NM_000492.4 (MANE Select); 4090 bases into the intron after coding-DNA position 1392, G replaced by T.
Molecular consequence: intron variant.
Genome position (GRCh38, 1-based): chr7:117,552,913, G>T. VCF-style: chr7-117552913-G-T. GRCh37 (hg19) VCF-style: chr7-117192967-G-T.
Identifiers: ClinVar variation 4280036 (VCV004280036.1).

ClinVar aggregate classification (germline): Likely benign (1 of 4 stars; one submission).

Conditions:
Cystic fibrosis (CF). Also called: MUCOVISCIDOSIS. Identifiers: Orphanet 586, MedGen C0010674, MONDO:0009061, OMIM 219700. Disease mechanism: loss of function.

gnomAD v4.1: 9 of 152,248 alleles (0.0059%); highest among the groups gnomAD compares: African/African-American, 0.022%; no homozygotes.

Submission:

Johns Hopkins Genomics, Johns Hopkins University
Classification: Likely benign for Cystic fibrosis. Last evaluated: 2024-08-28. Review status: criteria provided, single submitter. Criteria: ACMG Guidelines, 2015. Collection method: clinical testing. Allele origin: germline.
Comment: PM2, PP4, BP4, BP7